The following is an entry in ClinVar:

ClinVar aggregate classification (germline): Likely benign. Review status: criteria provided, multiple submitters, no conflicts (2 of 4 stars). 3 submissions from 3 submitters: Likely benign (3). Last evaluated 2024-03-27.

Conditions:
Hereditary cancer-predisposing syndrome. Also called: Neoplastic Syndromes, Hereditary; Hereditary Cancer Syndrome; Hereditary neoplastic syndrome; Tumor predisposition. Identifiers: Orphanet 140162, MedGen C0027672, MeSH D009386, MONDO:0015356.
Breast-ovarian cancer, familial, susceptibility to, 2 (BROVCA2). Also called: BRCA2 Hereditary Breast and Ovarian Cancer. Identifiers: Orphanet 145, MedGen C2675520, MONDO:0012933, OMIM 612555. Disease mechanism: loss of function.

Submissions (3):

Women's Health and Genetics/Laboratory Corporation of America, LabCorp
Classification: Likely benign. Last evaluated: 2024-03-27. Review status: criteria provided, single submitter. Criteria: LabCorp Variant Classification Summary - May 2015. Collection method: clinical testing. Allele origin: germline.

All of Us Research Program, National Institutes of Health
Classification: Likely benign for Breast-ovarian cancer, familial, susceptibility to, 2. Last evaluated: 2023-11-02. Review status: criteria provided, single submitter. Criteria: ACMG Guidelines, 2015. Collection method: clinical testing. Allele origin: germline. Inheritance: Autosomal dominant inheritance. Observed: 1 variant allele, 1 heterozygote.
Comment: This study involves interpretation of variants in research participants for the purpose of population health screening. Participant phenotype was not available at the time of variant classification. Additional details can be found in publication PMID: 35346344, PMCID: PMC8962531

Ambry Genetics
Classification: Likely benign for Hereditary cancer-predisposing syndrome. Last evaluated: 2019-05-01. Review status: criteria provided, single submitter. Criteria: Ambry Variant Classification Scheme 2023. Collection method: clinical testing. Allele origin: germline.

NM_000059.4(BRCA2):c.7536T>C (p.Leu2512=)

Gene: BRCA2 (BRCA2 DNA repair associated; plus strand). Cytogenetic location: 13q13.1.
Variant type: single nucleotide variant.
Coding change: c.7536T>C on transcript NM_000059.4 (MANE Select); coding-DNA position 7536, T replaced by C.
Protein change: p.Leu2512=; no amino-acid change (leucine 2512 retained).
Molecular consequence: synonymous variant.
Genome position (GRCh38, 1-based): chr13:32,356,528, T>C. VCF-style: chr13-32356528-T-C. GRCh37 (hg19) VCF-style: chr13-32930665-T-C.
Identifiers: ClinVar variation 827105 (VCV000827105.7), dbSNP rs1593919690, ClinGen allele CA483260399.